The following is an entry in ClinVar:

NM_138927.4(SON):c.1393C>T (p.Pro465Ser)

Gene: SON (SON DNA and RNA binding protein; plus strand). Cytogenetic location: 21q22.11.
Variant type: single nucleotide variant.
Coding change: c.1393C>T on transcript NM_138927.4 (MANE Select); coding-DNA position 1393, C replaced by T.
Protein change: p.Pro465Ser; replaces proline 465 with serine.
Molecular consequence: missense variant. On other transcripts: non-coding transcript variant (1), intron variant (1).
Genome position (GRCh38, 1-based): chr21:33,550,624, C>T. VCF-style: chr21-33550624-C-T. GRCh37 (hg19) VCF-style: chr21-34922930-C-T.
Other names: c.1393C>T, p.Pro465Ser (NM_001291411.2, NM_032195.3); c.244+4245C>T (NM_001291412.3); short protein forms P465S.
Identifiers: ClinVar variation 3686215 (VCV003686215.2).

ClinVar aggregate classification (germline): Uncertain significance (1 of 4 stars; one submission).

Submission:

Labcorp Genetics (formerly Invitae), Labcorp
Classification: Uncertain significance. Last evaluated: 2024-11-27. Review status: criteria provided, single submitter. Criteria: Invitae Variant Classification Sherloc (09022015). Collection method: clinical testing. Allele origin: germline.
Comment: This sequence change replaces proline, which is neutral and non-polar, with serine, which is neutral and polar, at codon 465 of the SON protein (p.Pro465Ser). This variant is not present in population databases (gnomAD no frequency). This variant has not been reported in the literature in individuals affected with SON-related conditions. An algorithm developed to predict the effect of missense changes on protein structure and function (PolyPhen-2) suggests that this variant is likely to be disruptive. In summary, the available evidence is currently insufficient to determine the role of this variant in disease. Therefore, it has been classified as a Variant of Uncertain Significance.